The following is an entry in ClinVar:

NM_001367561.1(DOCK7):c.3114A>G (p.Pro1038=)

Gene: DOCK7 (dedicator of cytokinesis 7; minus strand). Cytogenetic location: 1p31.3.
Variant type: single nucleotide variant.
Coding change: c.3114A>G on transcript NM_001367561.1 (MANE Select); coding-DNA position 3114, A replaced by G.
Protein change: p.Pro1038=; no amino-acid change (proline 1038 retained).
Molecular consequence: synonymous variant.
Genome position (GRCh38, 1-based): chr1:62,539,824, T>C on the plus strand (A>G on the coding strand, the complement: DOCK7 is on the minus strand). VCF-style: chr1-62539824-T-C. GRCh37 (hg19) VCF-style: chr1-63005495-T-C.
Other names: c.3114A>G, p.Pro1038= (NM_001271999.2, NM_001330614.2); c.3021A>G, p.Pro1007= (NM_001272000.2, NM_001272001.2, NM_033407.4).
Identifiers: ClinVar variation 2638863 (VCV002638863.24), dbSNP rs771284732, ClinGen allele CA886078.

ClinVar aggregate classification (germline): Likely benign (1 of 4 stars; one submission).

Allele frequency attached by ClinVar (database versions not stated): TOPMed below 0.00001; ExAC 0.00001; gnomAD 0.00001; gnomAD exomes 0.00001.
gnomAD v4.1: 9 of 1,613,792 alleles (0.00056%); highest among the groups gnomAD compares: South Asian, 0.0077%; 1 homozygote.

Submission:

CeGaT Center for Human Genetics Tuebingen
Classification: Likely benign. Last evaluated: 2022-06-01. Review status: criteria provided, single submitter. Criteria: CeGaT Center For Human Genetics Tuebingen Variant Classification Criteria Version 2. Collection method: clinical testing. Allele origin: germline. Affected: yes. Observed: 1 variant allele.
Comment: DOCK7: BP4, BP7